The following is an entry in ClinVar:

NM_005732.4(RAD50):c.3389A>G (p.Gln1130Arg)

Gene: RAD50 (RAD50 double strand break repair protein; plus strand). Cytogenetic location: 5q31.1.
Variant type: single nucleotide variant.
Coding change: c.3389A>G on transcript NM_005732.4 (MANE Select); coding-DNA position 3389, A replaced by G.
Protein change: p.Gln1130Arg; replaces glutamine 1130 with arginine.
Molecular consequence: missense variant.
Genome position (GRCh38, 1-based): chr5:132,618,294, A>G. VCF-style: chr5-132618294-A-G. GRCh37 (hg19) VCF-style: chr5-131953986-A-G.
Other names: c.3389A>G (NM_005732.3); short protein forms Q1130R.
Identifiers: ClinVar variation 1019260 (VCV001019260.10), dbSNP rs1581009614, ClinGen allele CA360965082.
Genomic context (GRCh38, chr5:132,618,294, plus strand): 5'-TTATGAGGACAACAGAACTTGTGAACAAGGATCTGGATATTTATTATAAGACTCTTGACC[A>G]GTAAGTATTAGACTGGGGATTTTCTTATTGCAGTTAATATTAACTAACATACTTTAGTCA-3'
Protein context (NP_005723.2, residues 1120-1140): DLDIYYKTLD[Gln1130Arg]AIMKFHSMKM

ClinVar aggregate classification (germline): Uncertain significance. Review status: criteria provided, multiple submitters, no conflicts (2 of 4 stars). 2 submissions from 2 submitters: Uncertain significance (2). Last evaluated 2024-11-05.

Conditions:
Hereditary cancer-predisposing syndrome. Also called: Tumor predisposition; Neoplastic Syndromes, Hereditary; Hereditary neoplastic syndrome; Hereditary Cancer Syndrome. Identifiers: Orphanet 140162, MedGen C0027672, MeSH D009386, MONDO:0015356.

Allele frequency attached by ClinVar (database versions not stated): gnomAD exomes below 0.00001.

Submissions (2):

Ambry Genetics
Classification: Uncertain significance for Hereditary cancer-predisposing syndrome. Last evaluated: 2024-11-05. Review status: criteria provided, single submitter. Criteria: Ambry Variant Classification Scheme 2023. Collection method: clinical testing. Allele origin: germline.
Comment: The p.Q1130R variant (also known as c.3389A>G), located in coding exon 21 of the RAD50 gene, results from an A to G substitution at nucleotide position 3389. The glutamine at codon 1130 is replaced by arginine, an amino acid with highly similar properties. This amino acid position is well conserved in available vertebrate species. In addition, this alteration is predicted to be tolerated by in silico analysis. Based on the available evidence, the clinical significance of this variant remains unclear.

Labcorp Genetics (formerly Invitae), Labcorp
Classification: Uncertain significance for Hereditary cancer-predisposing syndrome. Last evaluated: 2023-02-26. Review status: criteria provided, single submitter. Criteria: Invitae Variant Classification Sherloc (09022015). Collection method: clinical testing. Allele origin: germline.
Comment: In summary, the available evidence is currently insufficient to determine the role of this variant in disease. Therefore, it has been classified as a Variant of Uncertain Significance. An algorithm developed to predict the effect of missense changes on protein structure and function (PolyPhen-2) suggests that this variant is likely to be tolerated. ClinVar contains an entry for this variant (Variation ID: 1019260). This variant has not been reported in the literature in individuals affected with RAD50-related conditions. This variant is not present in population databases (gnomAD no frequency). This sequence change replaces glutamine, which is neutral and polar, with arginine, which is basic and polar, at codon 1130 of the RAD50 protein (p.Gln1130Arg).